The following is an entry in ClinVar:

ClinVar aggregate classification (germline): Uncertain significance (1 of 4 stars; one submission).

Allele frequency attached by ClinVar (database versions not stated): TOPMed 0.00001; ExAC 0.00002; gnomAD 0.00002; gnomAD exomes 0.00002; ESP Exome Variant Server 0.00008.
gnomAD v4.1: 31 of 1,614,076 alleles (0.0019%); highest among the groups gnomAD compares: Non-Finnish European, 0.0025%; no homozygotes.

Submission:

Labcorp Genetics (formerly Invitae), Labcorp
Classification: Uncertain significance. Last evaluated: 2023-09-29. Review status: criteria provided, single submitter. Criteria: Invitae Variant Classification Sherloc (09022015). Collection method: clinical testing. Allele origin: germline.
Comment: In summary, the available evidence is currently insufficient to determine the role of this variant in disease. Therefore, it has been classified as a Variant of Uncertain Significance. An algorithm developed to predict the effect of missense changes on protein structure and function (PolyPhen-2) suggests that this variant is likely to be disruptive. This variant has not been reported in the literature in individuals affected with ARHGAP31-related conditions. This variant is present in population databases (rs199565332, gnomAD 0.002%). This sequence change replaces proline, which is neutral and non-polar, with arginine, which is basic and polar, at codon 1412 of the ARHGAP31 protein (p.Pro1412Arg).

NM_020754.4(ARHGAP31):c.4235C>G (p.Pro1412Arg)

Gene: ARHGAP31 (Rho GTPase activating protein 31; plus strand). Cytogenetic location: 3q13.33.
Variant type: single nucleotide variant.
Coding change: c.4235C>G on transcript NM_020754.4 (MANE Select); coding-DNA position 4235, C replaced by G.
Protein change: p.Pro1412Arg; replaces proline 1412 with arginine.
Molecular consequence: missense variant.
Genome position (GRCh38, 1-based): chr3:119,416,164, C>G. VCF-style: chr3-119416164-C-G. GRCh37 (hg19) VCF-style: chr3-119135011-C-G.
Other names: short protein forms P1412R.
Identifiers: ClinVar variation 2964737 (VCV002964737.3), dbSNP rs199565332, ClinGen allele CA2554318.